The following is an entry in ClinVar:

ClinVar aggregate classification (germline): Uncertain significance (1 of 4 stars; one submission).

gnomAD v4.1: 2 of 1,614,184 alleles (0.00012%); highest among the groups gnomAD compares: Non-Finnish European, 0.00017%; no homozygotes.

Submission:

GeneDx
Classification: Uncertain significance. Last evaluated: 2019-10-07. Review status: criteria provided, single submitter. Criteria: GeneDx Variant Classification Process June 2021. Collection method: clinical testing. Allele origin: germline. Affected: yes.
Comment: Not observed in large population cohorts (Lek 2016); In silico analysis, which includes protein predictors and evolutionary conservation, supports a deleterious effect; Has not been previously published as pathogenic or benign to our knowledge

NM_002878.4(RAD51D):c.180G>C (p.Gln60His)

Genes: RAD51D (RAD51 paralog D; minus strand), RAD51L3-RFFL (RAD51L3-RFFL readthrough; minus strand). Cytogenetic location: 17q12.
Variant type: single nucleotide variant.
Coding change: c.180G>C on transcript NM_002878.4 (MANE Select); coding-DNA position 180, G replaced by C.
Protein change: p.Gln60His; replaces glutamine 60 with histidine.
Molecular consequence: missense variant. On other transcripts: intron variant (2).
Genome position (GRCh38, 1-based): chr17:35,118,584, C>G on the plus strand (G>C on the coding strand, the complement: RAD51D is on the minus strand). VCF-style: chr17-35118584-C-G. GRCh37 (hg19) VCF-style: chr17-33445603-C-G.
Other names: c.144+527G>C (NM_133629.3, NM_001142571.2); short protein forms Q60H.
Identifiers: ClinVar variation 1309259 (VCV001309259.2), dbSNP rs1423192061, ClinGen allele CA399091485.
Genomic context (GRCh38, chr17:35,118,584, plus strand): 5'-GGCAGTGGAGGTCTTCAGTTCCTCGTAGAGATCAGCGCCATTCACGGGGAAAGCCGAGAA[C>G]TGAGCCAGCAGCACCCGCCTCAGGGCAACCAGGGCCTGCCAAAGGGCCCCAGACTGCTCA-3'
Protein context (NP_002869.3, residues 50-70): LVALRRVLLA[Gln60His]FSAFPVNGAD